The following is an entry in ClinVar:

ClinVar aggregate classification (germline): Uncertain significance (1 of 4 stars; one submission).

Conditions:
Aortic aneurysm, familial thoracic 7 (AAT7). Also called: AORTIC DISSECTION, FAMILIAL, WITH OR WITHOUT AORTIC ANEURYSM. Identifiers: MedGen C3151077, MONDO:0013418, OMIM 613780.

Submission:

Labcorp Genetics (formerly Invitae), Labcorp
Classification: Uncertain significance for Aortic aneurysm, familial thoracic 7. Last evaluated: 2022-07-15. Review status: criteria provided, single submitter. Criteria: Invitae Variant Classification Sherloc (09022015). Collection method: clinical testing. Allele origin: germline.
Comment: Advanced modeling of protein sequence and biophysical properties (such as structural, functional, and spatial information, amino acid conservation, physicochemical variation, residue mobility, and thermodynamic stability) performed at Invitae indicates that this missense variant is not expected to disrupt MYLK protein function. In summary, the available evidence is currently insufficient to determine the role of this variant in disease. Therefore, it has been classified as a Variant of Uncertain Significance. This sequence change replaces serine, which is neutral and polar, with asparagine, which is neutral and polar, at codon 804 of the MYLK protein (p.Ser804Asn). This variant has not been reported in the literature in individuals affected with MYLK-related conditions. This variant is not present in population databases (gnomAD no frequency).

NM_053025.4(MYLK):c.2411G>A (p.Ser804Asn)

Gene: MYLK (myosin light chain kinase; minus strand). Cytogenetic location: 3q21.1.
Variant type: single nucleotide variant.
Coding change: c.2411G>A on transcript NM_053025.4 (MANE Select); coding-DNA position 2411, G replaced by A.
Protein change: p.Ser804Asn; replaces serine 804 with asparagine.
Molecular consequence: missense variant.
Genome position (GRCh38, 1-based): chr3:123,701,489, C>T on the plus strand (G>A on the coding strand, the complement: MYLK is on the minus strand). VCF-style: chr3-123701489-C-T. GRCh37 (hg19) VCF-style: chr3-123420336-C-T.
Other names: c.1883G>A, p.Ser628Asn (NM_001321309.2); c.2204G>A, p.Ser735Asn (NM_053026.4, NM_053028.4); c.2411G>A, p.Ser804Asn (NM_053027.4); short protein forms S735N, S628N, S804N.
Identifiers: ClinVar variation 2005530 (VCV002005530.4), dbSNP rs2474203759, ClinGen allele CA354232726.